The following is an entry in ClinVar:

NM_000214.3(JAG1):c.887A>T (p.Asp296Val)

Gene: JAG1 (jagged canonical Notch ligand 1; minus strand). Cytogenetic location: 20p12.2.
Variant type: single nucleotide variant.
Coding change: c.887A>T on transcript NM_000214.3 (MANE Select); coding-DNA position 887, A replaced by T.
Protein change: p.Asp296Val; replaces aspartic acid 296 with valine.
Molecular consequence: missense variant.
Genome position (GRCh38, 1-based): chr20:10,652,250, T>A on the plus strand (A>T on the coding strand, the complement: JAG1 is on the minus strand). VCF-style: chr20-10652250-T-A. GRCh37 (hg19) VCF-style: chr20-10632898-T-A.
Other names: short protein forms D296V.
Identifiers: ClinVar variation 3573395 (VCV003573395.2).

Conditions:
Arteriohepatic dysplasia. Also called: Alagille Syndrome. Identifiers: Orphanet 52, MedGen C0085280, MeSH D016738, MONDO:0007318.

Submission:

Gilbert/Spinner Lab, Children's Hospital of Philadelphia
No classification provided (evidence only). Condition: Alagille syndrome. Review status: no classification provided. Collection method: research. Allele origin: not applicable. Functional consequence: functionally_abnormal.
ClinVar note: "not provided" was previously submitted as the classification for the variant. However, the classification appeared to be based only on an observation of functional data so it was converted to no classification on 2025-07-30.